The following is an entry in ClinVar:

ClinVar aggregate classification (germline): Likely benign (1 of 4 stars; one submission).

Allele frequency attached by ClinVar (database versions not stated): TOPMed 0.00004 and 0.00008; gnomAD 0.00007 and 0.00004.

Submission:

GeneDx
Classification: Likely benign. Last evaluated: 2018-02-15. Review status: criteria provided, single submitter. Criteria: GeneDx Variant Classification (06012015). Collection method: clinical testing. Allele origin: germline. Affected: yes.
Comment: This variant is considered likely benign or benign based on one or more of the following criteria: it is a conservative change, it occurs at a poorly conserved position in the protein, it is predicted to be benign by multiple in silico algorithms, and/or has population frequency not consistent with disease.

NM_000814.6(GABRB3):c.-23C>G

Gene: GABRB3 (gamma-aminobutyric acid type A receptor subunit beta3; minus strand). Cytogenetic location: 15q12.
Variant type: single nucleotide variant.
Coding change: c.-23C>G on transcript NM_000814.6 (MANE Select); 23 bases upstream of the start codon, C replaced by G.
Molecular consequence: 5 prime UTR variant. On other transcripts: intron variant (1).
Genome position (GRCh38, 1-based): chr15:26,772,985, G>C on the plus strand (C>G on the coding strand, the complement: GABRB3 is on the minus strand). VCF-style: chr15-26772985-G-C. GRCh37 (hg19) VCF-style: chr15-27018132-G-C.
Other names: c.-374C>G (NM_001278631.2); c.81-213C>G (NM_021912.5).
Identifiers: ClinVar variation 383410 (VCV000383410.1), dbSNP rs889516195, ClinGen allele CA16607765.
Genomic context (GRCh38, chr15:26,772,985, plus strand): 5'-AAGATGCCGAAAAGCCTTCCTCCCGCAAGGCCCCACATCCCTCCGCCGCGCCCCGGCACG[G>C]GGGAGGGGGCGCCCCGCCGCCGTCGCGACCCGCAGCCGGGGCTGCTCCTGCTGCTGCCGC-3'